The following is an entry in ClinVar:

NM_000271.5(NPC1):c.736G>A (p.Val246Ile)

Gene: NPC1 (NPC intracellular cholesterol transporter 1; minus strand). Cytogenetic location: 18q11.2.
Variant type: single nucleotide variant.
Coding change: c.736G>A on transcript NM_000271.5 (MANE Select); coding-DNA position 736, G replaced by A.
Protein change: p.Val246Ile; replaces valine 246 with isoleucine.
Molecular consequence: missense variant.
Genome position (GRCh38, 1-based): chr18:23,560,376, C>T on the plus strand (G>A on the coding strand, the complement: NPC1 is on the minus strand). VCF-style: chr18-23560376-C-T. GRCh37 (hg19) VCF-style: chr18-21140340-C-T.
Other names: short protein forms V246I.
Identifiers: ClinVar variation 2195199 (VCV002195199.1), dbSNP rs753921719, ClinGen allele CA8913656.
Genomic context (GRCh38, chr18:23,560,376, plus strand): 5'-CCAAGCCAAGGATCGTCCAGGGAGCAGGAGGAGGTGGGGGCTGGGGCTTGGGGCCACAGA[C>T]AATAGAGCAGTCTTGGCAGCTACATGGTGCTGTGACCTCATCCACAGACTCGTCACAGCC-3'
Protein context (NP_000262.2, residues 236-256): APCSCQDCSI[Val246Ile]CGPKPQPPPP

ClinVar aggregate classification (germline): Uncertain significance (1 of 4 stars; one submission).

Conditions:
Niemann-Pick disease, type C1. Also called: NIEMANN-PICK DISEASE, VARIANT TYPE C1; NEUROVISCERAL STORAGE DISEASE WITH VERTICAL SUPRANUCLEAR OPHTHALMOPLEGIA; NIEMANN-PICK DISEASE WITH CHOLESTEROL ESTERIFICATION BLOCK; NIEMANN-PICK DISEASE WITHOUT SPHINGOMYELINASE DEFICIENCY; NIEMANN-PICK DISEASE, CHRONIC NEURONOPATHIC FORM. Identifiers: Orphanet 646, MedGen C3179455, MONDO:0009757, OMIM 257220.

gnomAD v4.1: 6 of 1,614,074 alleles (0.00037%); highest among the groups gnomAD compares: African/African-American, 0.008%; no homozygotes.

Submission:

Labcorp Genetics (formerly Invitae), Labcorp
Classification: Uncertain significance for Niemann-Pick disease, type C1. Last evaluated: 2022-07-18. Review status: criteria provided, single submitter. Criteria: Invitae Variant Classification Sherloc (09022015). Collection method: clinical testing. Allele origin: germline.
Comment: This sequence change replaces valine, which is neutral and non-polar, with isoleucine, which is neutral and non-polar, at codon 246 of the NPC1 protein (p.Val246Ile). This variant is present in population databases (rs753921719, gnomAD 0.02%). This variant has not been reported in the literature in individuals affected with NPC1-related conditions. Algorithms developed to predict the effect of missense changes on protein structure and function (SIFT, PolyPhen-2, Align-GVGD) all suggest that this variant is likely to be tolerated. In summary, the available evidence is currently insufficient to determine the role of this variant in disease. Therefore, it has been classified as a Variant of Uncertain Significance.